The following is an entry in ClinVar:

NM_018089.3(ANKZF1):c.125G>C (p.Arg42Pro)

Gene: ANKZF1 (ankyrin repeat and zinc finger peptidyl tRNA hydrolase 1; plus strand). Cytogenetic location: 2q35.
Variant type: single nucleotide variant.
Coding change: c.125G>C on transcript NM_018089.3 (MANE Select); coding-DNA position 125, G replaced by C.
Protein change: p.Arg42Pro; replaces arginine 42 with proline.
Molecular consequence: missense variant. On other transcripts: intron variant (1).
Genome position (GRCh38, 1-based): chr2:219,230,382, G>C. VCF-style: chr2-219230382-G-C. GRCh37 (hg19) VCF-style: chr2-220095104-G-C.
Other names: c.125G>C, p.Arg42Pro (NM_001042410.2); c.-267+482G>C (NM_001282792.2); c.125G>C (NM_018089.2); short protein forms R42P.
Identifiers: ClinVar variation 1366516 (VCV001366516.8), dbSNP rs761175747, ClinGen allele CA2120609.

ClinVar aggregate classification (germline): Uncertain significance. Review status: criteria provided, multiple submitters, no conflicts (2 of 4 stars). 2 submissions from 2 submitters: Uncertain significance (2). Last evaluated 2025-12-30.

Allele frequency attached by ClinVar (database versions not stated): gnomAD exomes 0.00003; ExAC 0.00004; gnomAD 0.00005 and 0.00006; TOPMed 0.00005.
gnomAD v4.1: 276 of 1,611,266 alleles (0.017%); highest among the groups gnomAD compares: Non-Finnish European, 0.023%; no homozygotes.

Submissions (2):

Labcorp Genetics (formerly Invitae), Labcorp
Classification: Uncertain significance. Last evaluated: 2025-12-30. Review status: criteria provided, single submitter. Criteria: Invitae Variant Classification Sherloc (09022015). Collection method: clinical testing. Allele origin: germline.
Comment: This sequence change replaces arginine, which is basic and polar, with proline, which is neutral and non-polar, at codon 42 of the ANKZF1 protein (p.Arg42Pro). This variant is present in population databases (rs761175747, gnomAD 0.008%). This variant has not been reported in the literature in individuals affected with ANKZF1-related conditions. ClinVar contains an entry for this variant (Variation ID: 1366516). An algorithm developed to predict the effect of missense changes on protein structure and function (PolyPhen-2) suggests that this variant is likely to be tolerated. In summary, the available evidence is currently insufficient to determine the role of this variant in disease. Therefore, it has been classified as a Variant of Uncertain Significance.

Ambry Genetics
Classification: Uncertain significance. Last evaluated: 2025-08-14. Review status: criteria provided, single submitter. Criteria: Ambry Variant Classification Scheme 2023. Collection method: clinical testing. Allele origin: germline.